The following is an entry in ClinVar:

NM_052844.4(DYNC2I2):c.1202C>T (p.Ser401Phe)

Genes: DYNC2I2 (dynein 2 intermediate chain 2; minus strand), LOC126860772 (CDK7 strongly-dependent group 2 enhancer GRCh37_chr9:131396972-131398171; plus strand). Cytogenetic location: 9q34.11.
Variant type: single nucleotide variant.
Coding change: c.1202C>T on transcript NM_052844.4 (MANE Select); coding-DNA position 1202, C replaced by T.
Protein change: p.Ser401Phe; replaces serine 401 with phenylalanine.
Molecular consequence: missense variant.
Genome position (GRCh38, 1-based): chr9:128,634,701, G>A on the plus strand (C>T on the coding strand, the complement: DYNC2I2 is on the minus strand). VCF-style: chr9-128634701-G-A. GRCh37 (hg19) VCF-style: chr9-131396980-G-A.
Other names: short protein forms S401F.
Identifiers: ClinVar variation 1681195 (VCV001681195.6), dbSNP rs763634588, ClinGen allele CA5266311.

ClinVar aggregate classification (germline): Uncertain significance (1 of 4 stars; one submission).

Conditions:
Short-rib thoracic dysplasia 11 with or without polydactyly (SRTD11). Also called: SHORT-RIB THORACIC DYSPLASIA 11 WITHOUT POLYDACTYLY. Identifiers: Orphanet 474, Orphanet 93271, MedGen C3810200, MONDO:0014287, OMIM 615633.

Allele frequency attached by ClinVar (database versions not stated): gnomAD exomes 0.00001; ExAC 0.00005.
gnomAD v4.1: 1 of 1,570,416 alleles (0.000064%); highest among the groups gnomAD compares: South Asian, 0.0012%; no homozygotes.

Submission:

Labcorp Genetics (formerly Invitae), Labcorp
Classification: Uncertain significance for Short-rib thoracic dysplasia 11 with or without polydactyly. Last evaluated: 2022-03-19. Review status: criteria provided, single submitter. Criteria: Invitae Variant Classification Sherloc (09022015). Collection method: clinical testing. Allele origin: germline.
Comment: This sequence change replaces serine, which is neutral and polar, with phenylalanine, which is neutral and non-polar, at codon 401 of the WDR34 protein (p.Ser401Phe). The frequency data for this variant in the population databases is considered unreliable, as metrics indicate poor data quality at this position in the gnomAD database. This variant has not been reported in the literature in individuals affected with WDR34-related conditions. Algorithms developed to predict the effect of missense changes on protein structure and function are either unavailable or do not agree on the potential impact of this missense change (SIFT: "Deleterious"; PolyPhen-2: "Probably Damaging"; Align-GVGD: "Class C15"). In summary, the available evidence is currently insufficient to determine the role of this variant in disease. Therefore, it has been classified as a Variant of Uncertain Significance.